The following is an entry in ClinVar:

NM_032776.3(JMJD1C):c.4487G>T (p.Ser1496Ile)

Gene: JMJD1C (jumonji domain containing 1C; minus strand). Cytogenetic location: 10q21.3.
Variant type: single nucleotide variant.
Coding change: c.4487G>T on transcript NM_032776.3 (MANE Select); coding-DNA position 4487, G replaced by T.
Protein change: p.Ser1496Ile; replaces serine 1496 with isoleucine.
Molecular consequence: missense variant. On other transcripts: non-coding transcript variant (1).
Genome position (GRCh38, 1-based): chr10:63,207,182, C>A on the plus strand (G>T on the coding strand, the complement: JMJD1C is on the minus strand). VCF-style: chr10-63207182-C-A. GRCh37 (hg19) VCF-style: chr10-64966942-C-A.
Other names: c.3941G>T, p.Ser1314Ile (NM_001282948.2, NM_001318154.2); c.3623G>T, p.Ser1208Ile (NM_001318153.2); c.4373G>T, p.Ser1458Ile (NM_001322252.2); c.3830G>T, p.Ser1277Ile (NM_001322254.2, NM_001322258.2); short protein forms S1208I, S1277I, S1314I, S1458I, S1496I.
Identifiers: ClinVar variation 2628885 (VCV002628885.1), dbSNP rs370143073, ClinGen allele CA208371437.

ClinVar aggregate classification (germline): Uncertain significance (1 of 4 stars; one submission).

Conditions:
JMJD1C-related disorder. Also called: JMJD1C-related condition.

Allele frequency attached by ClinVar (database versions not stated): TOPMed 0.00001; ESP Exome Variant Server 0.00008.
gnomAD v4.1: 5 of 1,614,188 alleles (0.00031%); highest among the groups gnomAD compares: Non-Finnish European, 0.00042%; no homozygotes.

Submission:

PreventionGenetics, part of Exact Sciences
Classification: Uncertain significance for JMJD1C-related condition. Last evaluated: 2023-07-18. Review status: criteria provided, single submitter. Criteria: ACMG Guidelines, 2015. Collection method: clinical testing. Allele origin: germline.
Comment: The JMJD1C c.4487G>T variant is predicted to result in the amino acid substitution p.Ser1496Ile. To our knowledge, this variant has not been reported in the literature and is present in one allele out of ~249,000 allele in the gnomAD database. At this time, the clinical significance of this variant is uncertain due to the absence of conclusive functional and genetic evidence.